The following is an entry in ClinVar:

ClinVar aggregate classification (germline): Uncertain significance (1 of 4 stars; one submission).

Conditions:
Familial thoracic aortic aneurysm and aortic dissection (TAAD). Also called: Thoracic aortic aneurysms and dissections. Identifiers: Orphanet 91387, MedGen C4707243, MONDO:0019625.

Submission:

Ambry Genetics
Classification: Uncertain significance for Familial thoracic aortic aneurysm and aortic dissection. Last evaluated: 2024-09-15. Review status: criteria provided, single submitter. Criteria: Ambry Variant Classification Scheme 2023. Collection method: clinical testing. Allele origin: germline.
Comment: The p.Q1400R variant (also known as c.4199A>G), located in coding exon 25 of the NOTCH1 gene, results from an A to G substitution at nucleotide position 4199. The glutamine at codon 1400 is replaced by arginine, an amino acid with highly similar properties. This amino acid position is conserved. In addition, this alteration is predicted to be tolerated by in silico analysis. Based on the available evidence, the clinical significance of this variant remains unclear.

NM_017617.5(NOTCH1):c.4199A>G (p.Gln1400Arg)

Gene: NOTCH1 (notch receptor 1; minus strand). Cytogenetic location: 9q34.3.
Variant type: single nucleotide variant.
Coding change: c.4199A>G on transcript NM_017617.5 (MANE Select); coding-DNA position 4199, A replaced by G.
Protein change: p.Gln1400Arg; replaces glutamine 1400 with arginine.
Molecular consequence: missense variant.
Genome position (GRCh38, 1-based): chr9:136,505,697, T>C on the plus strand (A>G on the coding strand, the complement: NOTCH1 is on the minus strand). VCF-style: chr9-136505697-T-C. GRCh37 (hg19) VCF-style: chr9-139400149-T-C.
Other names: short protein forms Q1400R.
Identifiers: ClinVar variation 3406838 (VCV003406838.1).